The following is an entry in ClinVar:

NM_001369268.1(ACAN):c.4843G>C (p.Gly1615Arg)

Gene: ACAN (aggrecan; plus strand). Cytogenetic location: 15q26.1.
Variant type: single nucleotide variant.
Coding change: c.4843G>C on transcript NM_001369268.1 (MANE Select); coding-DNA position 4843, G replaced by C.
Protein change: p.Gly1615Arg; replaces glycine 1615 with arginine.
Molecular consequence: missense variant.
Genome position (GRCh38, 1-based): chr15:88,857,428, G>C. VCF-style: chr15-88857428-G-C. GRCh37 (hg19) VCF-style: chr15-89400659-G-C.
Other names: c.4843G>C, p.Gly1615Arg (NM_001135.4, NM_001411096.1, NM_001411097.1 and 1 more transcripts); short protein forms G1615R.
Identifiers: ClinVar variation 2371886 (VCV002371886.3), dbSNP rs571130169, ClinGen allele CA7720117.

ClinVar aggregate classification (germline): Uncertain significance. Review status: criteria provided, multiple submitters, no conflicts (2 of 4 stars). 2 submissions from 2 submitters: Uncertain significance (2). Last evaluated 2025-09-09.

Conditions:
Inborn genetic diseases. Identifiers: MedGen C0950123, MeSH D030342.

Allele frequency attached by ClinVar (database versions not stated): ExAC 0.00005; gnomAD 0.00009; gnomAD exomes 0.00009; TOPMed 0.00013; 1000 Genomes Project 30x 0.00016; 1000 Genomes Project 0.00020.
gnomAD v4.1: 149 of 1,613,880 alleles (0.0092%); highest among the groups gnomAD compares: Admixed American, 0.028%; no homozygotes.

Submissions (2):

Women's Health and Genetics/Laboratory Corporation of America, LabCorp
Classification: Uncertain significance. Last evaluated: 2025-09-09. Review status: criteria provided, single submitter. Criteria: LabCorp Variant Classification Summary - May 2015. Collection method: clinical testing. Allele origin: germline.
Comment: Variant summary: ACAN c.4843G>C (p.Gly1615Arg) results in a non-conservative amino acid change in the encoded protein sequence. Algorithms developed to predict the effect of missense changes on protein structure and function are either unavailable or do not agree on the potential impact of this missense change. The variant allele was found at a frequency of 8.4e-05 in 249074 control chromosomes. This frequency is not significantly higher than estimated for disease-causing variants in ACAN, allowing no conclusion about variant significance. To our knowledge, no occurrence of c.4843G>C in individuals affected with ACAN-related conditions and no experimental evidence demonstrating its impact on protein function have been reported. ClinVar contains an entry for this variant (Variation ID: 2371886). Based on the evidence outlined above, the variant was classified as uncertain significance.

Ambry Genetics
Classification: Uncertain significance for Inborn genetic diseases. Last evaluated: 2021-06-11. Review status: criteria provided, single submitter. Criteria: Ambry Variant Classification Scheme 2023. Collection method: clinical testing. Allele origin: germline.